The following is an entry in ClinVar:

ClinVar aggregate classification (germline): Uncertain significance (1 of 4 stars; one submission).

Allele frequency attached by ClinVar (database versions not stated): gnomAD exomes below 0.00001; ExAC 0.00001; gnomAD 0.00001; TOPMed 0.00001.
gnomAD v4.1: 7 of 1,613,984 alleles (0.00043%); highest among the groups gnomAD compares: Non-Finnish European, 0.00059%; no homozygotes.

Submission:

CeGaT Center for Human Genetics Tuebingen
Classification: Uncertain significance. Last evaluated: 2024-05-01. Review status: criteria provided, single submitter. Criteria: CeGaT Center For Human Genetics Tuebingen Variant Classification Criteria Version 2. Collection method: clinical testing. Allele origin: germline. Affected: yes. Observed: 1 variant allele.
Comment: DNAJC6: PM2:Supporting, BP4

NM_001256864.2(DNAJC6):c.1632G>A (p.Glu544=)

Gene: DNAJC6 (DnaJ heat shock protein family (Hsp40) member C6; plus strand). Cytogenetic location: 1p31.3.
Variant type: single nucleotide variant.
Coding change: c.1632G>A on transcript NM_001256864.2 (MANE Select); coding-DNA position 1632, G replaced by A.
Protein change: p.Glu544=; no amino-acid change (glutamic acid 544 retained).
Molecular consequence: synonymous variant.
Genome position (GRCh38, 1-based): chr1:65,392,594, G>A. VCF-style: chr1-65392594-G-A. GRCh37 (hg19) VCF-style: chr1-65858277-G-A.
Other names: c.1422G>A, p.Glu474= (NM_001256865.2); c.1461G>A, p.Glu487= (NM_014787.4).
Identifiers: ClinVar variation 3239534 (VCV003239534.19), dbSNP rs749160546.